The following is an entry in ClinVar:

ClinVar aggregate classification (germline): Pathogenic. Review status: criteria provided, multiple submitters, no conflicts (2 of 4 stars). 10 submissions from 10 submitters: Pathogenic (7). 3 of the submissions do not count toward it. Last evaluated 2026-01-17.

Conditions:
GNPTAB-Related Disorders. Also called: GNPTAB-related disorder; GNPTAB-related condition. Identifiers: MedGen CN381523.
Mucolipidosis. Also called: Mucolipidoses. Identifiers: Orphanet 79212, MedGen C0026697, MONDO:0019248.
Mucolipidosis type II. Also called: Mucolipidosis 2; ML 2; Inclusion cell disease; Leroy Disease; N-acetylglucosamine 1phosphotransferase deficiency; ML disorder type 2. Identifiers: Orphanet 576, MedGen C2673377, MONDO:0009650, OMIM 252500.
Pseudo-Hurler polydystrophy. Also called: Type III Mucolipidosis; ML IIIA; Mucolipidosis III Alpha/Beta; MUCOLIPIDOSIS IIIA; ML III; ML III ALPHA/BETA. Identifiers: Orphanet 423461, Orphanet 577, MedGen C0033788, MONDO:0018931, OMIM 252600.

Submissions (10):

Labcorp Genetics (formerly Invitae), Labcorp
Classification: Pathogenic for Pseudo-Hurler polydystrophy; Mucolipidosis type II. Last evaluated: 2026-01-17. Review status: criteria provided, single submitter. Criteria: Invitae Variant Classification Sherloc (09022015). Collection method: clinical testing. Allele origin: germline.
Comment: This sequence change creates a premature translational stop signal (p.Thr206Tyrfs*6) in the GNPTAB gene. It is expected to result in an absent or disrupted protein product. Loss-of-function variants in GNPTAB are known to be pathogenic (PMID: 19617216, 25107912). This variant is present in population databases (rs398124399, gnomAD 0.03%). This premature translational stop signal has been observed in individuals with mucolipidosis II and III (PMID: 16465621, 24798265). This variant is also known as FS211X (type 1), 773_776delCAGA. ClinVar contains an entry for this variant (Variation ID: 38432). For these reasons, this variant has been classified as Pathogenic.

GeneDx
Classification: Pathogenic. Last evaluated: 2025-09-13. Review status: criteria provided, single submitter. Criteria: GeneDx Variant Classification Process June 2021. Collection method: clinical testing. Allele origin: germline. Affected: yes.
Comment: Frameshift variant predicted to result in protein truncation or nonsense mediated decay in a gene for which loss-of-function is a known mechanism of disease; Also known as FS211X; This variant is associated with the following publications: (PMID: 18190596, 16465621, 30882951, 38651529, 24798265, 38702915)

Natera, Inc.
Classification: Pathogenic for Mucolipidosis type II. Last evaluated: 2025-04-10. Review status: criteria provided, single submitter. Criteria: Natera Variant Classification Schema (03/2026). Collection method: clinical testing. Allele origin: germline.
Comment: The c.616_619delACAG variant in GNPTAB is a frameshift variant predicted to shift the reading frame beginning at codon 206 and leads to a stop codon 6 codons downstream. This variant is expected to result in nonsense mediated decay, truncation, or a dysfunctional protein product. This variant is rare in the general population with a frequency below the threshold expected for the associated phenotype(s). This variant has been observed in one or more individuals affected with the associated recessive disease, as either homozygous or compound heterozygous with a second variant (PMID: 19617216). Given the available evidence, this variant is classified as Pathogenic.

3billion
Classification: Pathogenic for Mucolipidosis type II. Last evaluated: 2024-02-01. Review status: criteria provided, single submitter. Criteria: ACMG Guidelines, 2015. Collection method: clinical testing. Allele origin: germline. Affected: yes.
Comment: The variant is observed at an extremely low frequency in the gnomAD v2.1.1 dataset (total allele frequency: 0.005%). Predicted Consequence/Location: Frameshift: predicted to result in a loss or disruption of normal protein function through nonsense-mediated decay (NMD) or protein truncation. Multiple pathogenic variants are reported downstream of the variant. The variant has been reported at least twice as pathogenic with clinical assertions and evidence for the classification (ClinVar ID: VCV000038432 /PMID: 16465621). Therefore, this variant is classified as Pathogenic according to the recommendation of ACMG/AMP guideline.

Fulgent Genetics
Classification: Pathogenic for Mucolipidosis type II; Pseudo-Hurler polydystrophy. Last evaluated: 2023-12-29. Review status: criteria provided, single submitter. Criteria: ACMG Guidelines, 2015. Collection method: clinical testing. Allele origin: germline.

Women's Health and Genetics/Laboratory Corporation of America, LabCorp
Classification: Pathogenic for Mucolipidosis. Last evaluated: 2018-03-22. Review status: criteria provided, single submitter. Criteria: LabCorp Variant Classification Summary - May 2015. Collection method: clinical testing. Allele origin: germline.
Comment: Variant summary: GNPTAB c.616_619delACAG (p.Thr206TyrfsX6) results in a premature termination codon, predicted to cause a truncation of the encoded protein or absence of the protein due to nonsense mediated decay, which are commonly known mechanisms for disease. Truncations downstream of this position have been classified as pathogenic by our laboratory (eg. c.1090C>T (p.Arg364X), c.1123C>T (p.Arg375X), c.1581delC (p.Cys528fsX19)). The variant allele was found at a frequency of 4.9e-05 in 245984 control chromosomes (gnomAD). This frequency is not significantly higher than expected for a pathogenic variant in GNPTAB causing Mucolipidosis (4.9e-05 vs 2.20e-03), allowing no conclusion about variant significance. c.616_619delACAG has been reported in the literature in two individuals affected with Mucolipidosis type 2 (Kudo 2006). These data indicate that the variant may be associated with disease. This publication also reports experimental evidence evaluating an impact on protein function by measuring N-acetylglucosamine-phosphotransferase activity in cell lysates from fibroblasts or lymphoblasts derived from subjects. The most pronounced variant effect results in <1% of normal enzymatic activity. No clinical diagnostic laboratories have submitted clinical-significance assessments for this variant to ClinVar after 2014. Based on the evidence outlined above, the variant was classified as pathogenic.

Eurofins Ntd Llc (ga)
Classification: Pathogenic. Last evaluated: 2013-08-28. Review status: criteria provided, single submitter. Criteria: EGL Classification Definitions. Collection method: clinical testing. Allele origin: germline. Observed: 6 variant alleles, 6 heterozygotes.

PreventionGenetics, part of Exact Sciences
Classification: Pathogenic for GNPTAB-related condition. Last evaluated: 2024-03-07. Review status: no assertion criteria provided. Collection method: clinical testing. Allele origin: germline. Not counted in ClinVar's aggregate classification.
Comment: The GNPTAB c.616_619delACAG variant is predicted to result in a frameshift and premature protein termination (p.Thr206Tyrfs*6). This variant has been reported to be causative for mucolipidosis II (described as as c.773_776delCAGA, p.T206fsX211, Kudo et al. 2006. PubMed ID: 16465621; Cobos et al. 2014. PubMed ID: 24798265; Cathey et al. 2009. PubMed ID: 19617216). This variant is reported in 0.032% of alleles in individuals of Latino descent in gnomAD. Frameshift variants in GNPTAB are expected to be pathogenic. This variant is interpreted as pathogenic.

Counsyl
Classification: Pathogenic for Mucolipidosis type II; Pseudo-Hurler polydystrophy. Last evaluated: 2017-02-21. Review status: no assertion criteria provided. Collection method: clinical testing. Allele origin: unknown. Not counted in ClinVar's aggregate classification.

GeneReviews
Classification: Pathogenic for Mucolipidosis III Alpha/Beta. Last evaluated: 2012-05-10. Review status: no assertion criteria provided. Collection method: curation. Allele origin: unknown. Not counted in ClinVar's aggregate classification.
ClinVar note: Converted during submission from pathologic to Pathogenic.

Literature cited by the submitters: PubMed 19617216 (cited by Labcorp Genetics (formerly Invitae), Labcorp and Natera, Inc.); PubMed 25107912 (cited by Labcorp Genetics (formerly Invitae), Labcorp); PubMed 16465621 (cited by 4 submitters); PubMed 24798265 (cited by 3 submitters).

NM_024312.5(GNPTAB):c.616_619del (p.Thr206fs)

Gene: GNPTAB (N-acetylglucosamine-1-phosphate transferase subunits alpha and beta; minus strand). Cytogenetic location: 12q23.2.
Variant type: Microsatellite.
Coding change: c.616_619del on transcript NM_024312.5 (MANE Select); coding-DNA positions 616 to 619, 4 bases deleted (ACAG; older notation c.616_619delACAG).
Protein change: p.Thr206fs; shifts the reading frame from threonine 206.
Molecular consequence: frameshift variant.
Genome position (GRCh38, 1-based): chr12:101,780,574-101,780,577, CTGT deleted on the plus strand (ACAG on the coding strand, the reverse complement: GNPTAB is on the minus strand); deleting any 4 consecutive bases within chr12:101,780,574-101,780,584 gives the same sequence; the c. name uses the placement nearest the transcript's 3' end. VCF-style (leftmost placement, unchanged base first): chr12-101780573-ACTGT-A. GRCh37 (hg19) VCF-style: chr12-102174351-ACTGT-A.
Other names: AY687932:c.616delCAGA; c.616_619del (NM_024312.4); c.616_619delACAG (NM_024312.5); short protein forms T206fs.
Identifiers: ClinVar variation 38432 (VCV000038432.26), dbSNP rs281865024, ClinGen allele CA223756.